The following is an entry in ClinVar:

ClinVar aggregate classification (germline): Likely benign (1 of 4 stars; one submission).

Submission:

GeneDx
Classification: Likely benign. Last evaluated: 2017-05-15. Review status: criteria provided, single submitter. Criteria: GeneDx Variant Classification (06012015). Collection method: clinical testing. Allele origin: germline. Affected: yes.
Comment: This variant is considered likely benign or benign based on one or more of the following criteria: it is a conservative change, it occurs at a poorly conserved position in the protein, it is predicted to be benign by multiple in silico algorithms, and/or has population frequency not consistent with disease.

NM_033337.3(CAV3):c.51C>T (p.Ile17=)

Gene: CAV3 (caveolin 3; plus strand). Cytogenetic location: 3p25.3.
Variant type: single nucleotide variant.
Coding change: c.51C>T on transcript NM_033337.3 (MANE Select); coding-DNA position 51, C replaced by T.
Protein change: p.Ile17=; no amino-acid change (isoleucine 17 retained).
Molecular consequence: synonymous variant.
Genome position (GRCh38, 1-based): chr3:8,733,927, C>T. VCF-style: chr3-8733927-C-T. GRCh37 (hg19) VCF-style: chr3-8775613-C-T.
Other names: c.51C>T, p.Ile17= (NM_001234.5).
Identifiers: ClinVar variation 509569 (VCV000509569.1), dbSNP rs1553613132, ClinGen allele CA432356415.
Genomic context (GRCh38, chr3:8,733,927, plus strand): 5'-CAGCTCTGCGATGATGGCAGAAGAGCACACAGATCTCGAGGCCCAGATCGTCAAGGATAT[C>T]CACTGCAAGGAGATTGACCTGGTGAACCGAGACCCCAAGAACATTAACGAGGACATAGTC-3'
Protein context (NP_203123.1, residues 7-27): TDLEAQIVKD[Ile17=]HCKEIDLVNR